The following is an entry in ClinVar:

NM_006206.6(PDGFRA):c.1592T>C (p.Val531Ala)

Gene: PDGFRA (platelet derived growth factor receptor alpha; plus strand). Cytogenetic location: 4q12.
Variant type: single nucleotide variant.
Coding change: c.1592T>C on transcript NM_006206.6 (MANE Select); coding-DNA position 1592, T replaced by C.
Protein change: p.Val531Ala; replaces valine 531 with alanine.
Molecular consequence: missense variant.
Genome position (GRCh38, 1-based): chr4:54,274,564, T>C. VCF-style: chr4-54274564-T-C. GRCh37 (hg19) VCF-style: chr4-55140731-T-C.
Other names: c.1592T>C, p.Val531Ala (NM_001347827.2, NM_001347829.2); c.1667T>C, p.Val556Ala (NM_001347828.2); c.1631T>C, p.Val544Ala (NM_001347830.2); short protein forms V531A, V544A, V556A.
Identifiers: ClinVar variation 4861731 (VCV004861731.1).
Genomic context (GRCh38, chr4:54,274,564, plus strand): 5'-ATTGTGCCTCTCTCTCTTGTCACGTAGCCCTGCGTTCTGAACTCACGGTGGCTGCTGCAG[T>C]CCTGGTGCTGTTGGTGATTGTGATCATCTCACTTATTGTCCTGGTTGTCATTTGGAAACA-3'
Protein context (NP_006197.1, residues 521-541): LRSELTVAAA[Val531Ala]LVLLVIVIIS

ClinVar aggregate classification (germline): Uncertain significance (1 of 4 stars; one submission).

Conditions:
Hereditary cancer-predisposing syndrome. Also called: Neoplastic Syndromes, Hereditary; Tumor predisposition; Hereditary Cancer Syndrome; Hereditary neoplastic syndrome. Identifiers: Orphanet 140162, MedGen C0027672, MeSH D009386, MONDO:0015356.

Submission:

Ambry Genetics
Classification: Uncertain significance for Hereditary cancer-predisposing syndrome. Last evaluated: 2026-04-12. Review status: criteria provided, single submitter. Criteria: Ambry Variant Classification Scheme 2023. Collection method: clinical testing. Allele origin: germline.
Comment: The p.V531A variant (also known as c.1592T>C), located in coding exon 10 of the PDGFRA gene, results from a T to C substitution at nucleotide position 1592. The valine at codon 531 is replaced by alanine, an amino acid with similar properties. This amino acid position is conserved. In addition, the in silico prediction for this alteration is inconclusive. Based on the available evidence, the clinical significance of this variant remains unclear.